The following is an entry in ClinVar:

NM_001059.3(TACR3):c.-271C>G

Gene: TACR3 (tachykinin receptor 3; minus strand). Cytogenetic location: 4q24.
Variant type: single nucleotide variant.
Coding change: c.-271C>G on transcript NM_001059.3 (MANE Select); 271 bases upstream of the start codon, C replaced by G.
Molecular consequence: 5 prime UTR variant.
Genome position (GRCh38, 1-based): chr4:103,719,946, G>C on the plus strand (C>G on the coding strand, the complement: TACR3 is on the minus strand). VCF-style: chr4-103719946-G-C. GRCh37 (hg19) VCF-style: chr4-104641103-G-C.
Identifiers: ClinVar variation 672984 (VCV000672984.1), dbSNP rs3733631, ClinGen allele CA11696224.
Genomic context (GRCh38, chr4:103,719,946, plus strand): 5'-TCTGGCAGGCAGAAAGAATGAGATCCTCCCGAGATTAAGGGTTATCGAGTCACATCACAC[G>C]TAGGGAGGGTGCCAGCTGCCCGGCACAGGCTGGAGAACTGAGCGTCCTGCGCTACAGGCT-3'

ClinVar aggregate classification (germline): Benign (1 of 4 stars; one submission).

Allele frequency attached by ClinVar (database versions not stated): gnomAD 0.33825 and 0.34283; TOPMed 0.35634; 1000 Genomes Project 0.42452; 1000 Genomes Project 30x 0.43020.
gnomAD v4.1: 138,705 of 555,554 alleles (25%); highest among the groups gnomAD compares: African/African-American, 73%; 25,544 homozygotes.

Submission:

GeneDx
Classification: Benign. Last evaluated: 2018-06-14. Review status: criteria provided, single submitter. Criteria: GeneDx Variant Classification (06012015). Collection method: clinical testing. Allele origin: germline. Affected: yes.
Comment: This variant is considered likely benign or benign based on one or more of the following criteria: it is a conservative change, it occurs at a poorly conserved position in the protein, it is predicted to be benign by multiple in silico algorithms, and/or has population frequency not consistent with disease.